The following is an entry in ClinVar:

NC_000002.12:g.232343578A>C

Gene: DIS3L2 (DIS3 like 3'-5' exoribonuclease 2; plus strand). Cytogenetic location: 2q37.1.
Variant type: single nucleotide variant.
Molecular consequence: 3 prime UTR variant (on NM_001257281.2).
Genome position: GRCh38 VCF-style: chr2-232343578-A-C. GRCh37 (hg19) VCF-style: chr2-233208288-A-C.
Other names: c.*3A>C (NM_001257281.2).
Identifiers: ClinVar variation 1236634 (VCV001236634.9), dbSNP rs143390659, ClinGen allele CA2164765.

ClinVar aggregate classification (germline): Benign/Likely benign. Review status: criteria provided, multiple submitters, no conflicts (2 of 4 stars). 4 submissions from 4 submitters: Benign (2); Likely benign (1). 1 of the submissions does not count toward it. Last evaluated 2024-11-22.

Conditions:
DIS3L2-related disorder. Also called: DIS3L2-related condition.

Allele frequency attached by ClinVar (database versions not stated): gnomAD 0.00811 and 0.00861; TOPMed 0.00996; gnomAD exomes 0.01398 and 0.00501; 1000 Genomes Project 30x 0.01530; ExAC 0.01697; 1000 Genomes Project 0.01498.
gnomAD v4.1: 8,445 of 1,574,986 alleles (0.54%); highest among the groups gnomAD compares: Admixed American, 5.3%; 131 homozygotes.

Submissions (4):

Blueprint Genetics
Classification: Likely benign. Last evaluated: 2024-11-22. Review status: criteria provided, single submitter. Criteria: ACMG Guidelines, 2015. Collection method: clinical testing. Allele origin: germline.

GeneDx
Classification: Benign. Last evaluated: 2019-02-28. Review status: criteria provided, single submitter. Criteria: GeneDx Variant Classification Process June 2021. Collection method: clinical testing. Allele origin: germline. Affected: yes.

Breakthrough Genomics
Classification: Benign. Review status: criteria provided, single submitter. Criteria: ACMG Guidelines, 2015. Collection method: not provided. Allele origin: germline. Inheritance: Autosomal recessive inheritance. Affected: yes.

PreventionGenetics, part of Exact Sciences
Classification: Benign for DIS3L2-related condition. Last evaluated: 2019-06-19. Review status: no assertion criteria provided. Collection method: clinical testing. Allele origin: germline. Not counted in ClinVar's aggregate classification.
Comment: This variant is classified as benign based on ACMG/AMP sequence variant interpretation guidelines (Richards et al. 2015 PMID: 25741868, with internal and published modifications).